The following is an entry in ClinVar:

ClinVar aggregate classification (germline): Uncertain significance (1 of 4 stars; one submission).

Conditions:
Cystic fibrosis (CF). Also called: MUCOVISCIDOSIS. Identifiers: Orphanet 586, MedGen C0010674, MONDO:0009061, OMIM 219700. Disease mechanism: loss of function.

Submission:

Ambry Genetics
Classification: Uncertain significance for Cystic fibrosis. Last evaluated: 2024-10-31. Review status: criteria provided, single submitter. Criteria: Ambry Variant Classification Scheme 2023. Collection method: clinical testing. Allele origin: germline.
Comment: The p.V879L variant (also known as c.2635G>C), located in coding exon 16 of the CFTR gene, results from a G to C substitution at nucleotide position 2635. The valine at codon 879 is replaced by leucine, an amino acid with highly similar properties. This amino acid position is conserved. In addition, this alteration is predicted to be tolerated by in silico analysis. Based on the available evidence, the clinical significance of this variant remains unclear.

NM_000492.4(CFTR):c.2635G>C (p.Val879Leu)

Gene: CFTR (CF transmembrane conductance regulator; plus strand). Cytogenetic location: 7q31.2.
Variant type: single nucleotide variant.
Coding change: c.2635G>C on transcript NM_000492.4 (MANE Select); coding-DNA position 2635, G replaced by C.
Protein change: p.Val879Leu; replaces valine 879 with leucine.
Molecular consequence: missense variant.
Genome position (GRCh38, 1-based): chr7:117,602,841, G>C. VCF-style: chr7-117602841-G-C. GRCh37 (hg19) VCF-style: chr7-117242895-G-C.
Other names: short protein forms V879L.
Identifiers: ClinVar variation 3491691 (VCV003491691.1).